The following is an entry in ClinVar:

NM_001127222.2(CACNA1A):c.3410C>T (p.Pro1137Leu)

Gene: CACNA1A (calcium voltage-gated channel subunit alpha1 A; minus strand). Cytogenetic location: 19p13.13.
Variant type: single nucleotide variant.
Coding change: c.3410C>T on transcript NM_001127222.2 (MANE Select); coding-DNA position 3410, C replaced by T.
Protein change: p.Pro1137Leu; replaces proline 1137 with leucine.
Molecular consequence: missense variant.
Genome position (GRCh38, 1-based): chr19:13,286,646, G>A on the plus strand (C>T on the coding strand, the complement: CACNA1A is on the minus strand). VCF-style: chr19-13286646-G-A. GRCh37 (hg19) VCF-style: chr19-13397460-G-A.
Other names: c.3422C>T, p.Pro1141Leu (NM_000068.4, NM_023035.3); c.3413C>T, p.Pro1138Leu (NM_001127221.2, NM_001174080.2); short protein forms P1138L, P1141L, P1137L.
Identifiers: ClinVar variation 842035 (VCV000842035.36), dbSNP rs200333359, ClinGen allele CA9240330.
Genomic context (GRCh38, chr19:13,286,646, plus strand): 5'-GCTGAATTGGTCTGGGTGCCGCTGGGGTTGGTGACGATAAGGCTATTCTCGGGGGTCTTG[G>A]GGGGGCCGGGATTGGATGGGTTCCCCGGGTTGTTGGGCGTCCGGCGGCTGGCGGCGTTCT-3'
Protein context (NP_001120694.1, residues 1127-1147): NPGNPSNPGP[Pro1137Leu]KTPENSLIVT

ClinVar aggregate classification (germline): Conflicting classifications of pathogenicity. Review status: criteria provided, conflicting classifications (1 of 4 stars). 4 submissions from 4 submitters: Uncertain significance (2); Likely benign (2). Last evaluated 2026-03-13.

Conditions:
Developmental and epileptic encephalopathy, 42 (DEE42A). Also called: Epileptic encephalopathy, early infantile, 42; DEVELOPMENTAL AND EPILEPTIC ENCEPHALOPATHY 42A; EPILEPTIC ENCEPHALOPATHY, EARLY INFANTILE, 42A. Identifiers: MedGen C4310716, MONDO:0014917, OMIM 617106.
Episodic ataxia type 2 (EA2). Also called: ATAXIA, EPISODIC, WITH NYSTAGMUS; ATAXIA, FAMILIAL PAROXYSMAL; CEREBELLAR ATAXIA, PAROXYSMAL, ACETAZOLAMIDE-RESPONSIVE; CEREBELLOPATHY, HEREDITARY PAROXYSMAL; EPISODIC ATAXIA, NYSTAGMUS-ASSOCIATED; ACETAZOLAMIDE-RESPONSIVE HEREDITARY PAROXYSMAL CEREBELLAR ATAXIA. Identifiers: Orphanet 97, MedGen C1720416, MONDO:0007163, OMIM 108500.
Inborn genetic diseases. Identifiers: MedGen C0950123, MeSH D030342.

Allele frequency attached by ClinVar (database versions not stated): 1000 Genomes Project 30x 0.00031; 1000 Genomes Project 0.00040.
gnomAD v4.1: 43 of 1,544,684 alleles (0.0028%); highest among the groups gnomAD compares: African/African-American, 0.052%; no homozygotes.

Submissions (4):

GeneDx
Classification: Uncertain significance. Last evaluated: 2026-03-13. Review status: criteria provided, single submitter. Criteria: GeneDx Variant Classification Process June 2021. Collection method: clinical testing. Allele origin: germline.
Comment: In silico analysis supports that this missense variant has a deleterious effect on protein structure/function; Has not been previously published as pathogenic or benign to our knowledge

Labcorp Genetics (formerly Invitae), Labcorp
Classification: Likely benign for Developmental and epileptic encephalopathy, 42; Episodic ataxia type 2. Last evaluated: 2025-10-20. Review status: criteria provided, single submitter. Criteria: Invitae Variant Classification Sherloc (09022015). Collection method: clinical testing. Allele origin: germline.

Ambry Genetics
Classification: Likely benign for Inborn genetic diseases. Last evaluated: 2025-08-03. Review status: criteria provided, single submitter. Criteria: Ambry Variant Classification Scheme 2023. Collection method: clinical testing. Allele origin: germline.

CeGaT Center for Human Genetics Tuebingen
Classification: Uncertain significance. Last evaluated: 2023-04-01. Review status: criteria provided, single submitter. Criteria: CeGaT Center For Human Genetics Tuebingen Variant Classification Criteria Version 2. Collection method: clinical testing. Allele origin: germline. Affected: yes. Observed: 1 variant allele.
Comment: CACNA1A: PP2